The following is an entry in ClinVar:

ClinVar aggregate classification (germline): Uncertain significance (1 of 4 stars; one submission).

Submission:

GeneDx
Classification: Uncertain significance. Last evaluated: 2019-04-04. Review status: criteria provided, single submitter. Criteria: GeneDx Variant Classification Process June 2021. Collection method: clinical testing. Allele origin: germline. Affected: yes.
Comment: Not observed in large population cohorts (Lek et al., 2016); In silico analysis, which includes protein predictors and evolutionary conservation, supports a deleterious effect; Has not been previously published as pathogenic or benign to our knowledge

NM_003047.5(SLC9A1):c.296T>G (p.Val99Gly)

Gene: SLC9A1 (solute carrier family 9 member A1; minus strand). Cytogenetic location: 1p36.11.
Variant type: single nucleotide variant.
Coding change: c.296T>G on transcript NM_003047.5 (MANE Select); coding-DNA position 296, T replaced by G.
Protein change: p.Val99Gly; replaces valine 99 with glycine.
Molecular consequence: missense variant. On other transcripts: non-coding transcript variant (1).
Genome position (GRCh38, 1-based): chr1:27,154,039, A>C on the plus strand (T>G on the coding strand, the complement: SLC9A1 is on the minus strand). VCF-style: chr1-27154039-A-C. GRCh37 (hg19) VCF-style: chr1-27480530-A-C.
Other names: short protein forms V99G.
Identifiers: ClinVar variation 1302248 (VCV001302248.2), dbSNP rs2124224253, ClinGen allele CA339265290.